The following is an entry in ClinVar:

ClinVar aggregate classification (germline): Uncertain significance. Review status: criteria provided, single submitter (1 of 4 stars). 2 submissions from 2 submitters: Uncertain significance (1). 1 of the submissions does not count toward it. Last evaluated 2025-05-07.

Conditions:
Hypercholesterolemia, autosomal dominant, type B (FHCL2). Also called: HYPERCHOLESTEROLEMIA, FAMILIAL, DUE TO LIGAND-DEFECTIVE APOLIPOPROTEIN B; Familial Hypercholesterolemia Type B; APOLIPOPROTEIN B-100, FAMILIAL DEFECTIVE; APOLIPOPROTEIN B-100, FAMILIAL LIGAND-DEFECTIVE; Familial hypercholesterolemia 2; APOB-Related Familial Hypercholesterolemia, Autosomal Dominant. Identifiers: MedGen C1704417, MONDO:0007751, OMIM 144010.
Familial hypobetalipoproteinemia 1. Also called: APOB-Related Familial Hypobetalipoproteinemia; Hypobetalipoproteinemia, normotriglyceridemic; Acanthocytosis with hypobetalipoproteinemia. Identifiers: MedGen C4551990, MONDO:0014252, OMIM 615558.

Allele frequency attached by ClinVar (database versions not stated): gnomAD 0.00001; ExAC 0.00844.

Submissions (2):

Labcorp Genetics (formerly Invitae), Labcorp
Classification: Uncertain significance for Familial hypobetalipoproteinemia 1; Hypercholesterolemia, autosomal dominant, type B. Last evaluated: 2025-05-07. Review status: criteria provided, single submitter. Criteria: Invitae Variant Classification Sherloc (09022015). Collection method: clinical testing. Allele origin: germline.
Comment: This sequence change replaces glutamic acid, which is acidic and polar, with lysine, which is basic and polar, at codon 3553 of the APOB protein (p.Glu3553Lys). The frequency data for this variant in the population databases is considered unreliable, as metrics indicate poor data quality at this position in the gnomAD database. This missense change has been observed in individual(s) with familial hypercholesterolemia (PMID: 36752612). ClinVar contains an entry for this variant (Variation ID: 440521). Invitae Evidence Modeling of protein sequence and biophysical properties (such as structural, functional, and spatial information, amino acid conservation, physicochemical variation, residue mobility, and thermodynamic stability) has been performed for this missense variant. However, the output from this modeling did not meet the statistical confidence thresholds required to predict the impact of this variant on APOB protein function. In summary, the available evidence is currently insufficient to determine the role of this variant in disease. Therefore, it has been classified as a Variant of Uncertain Significance.

Laboratorium voor Moleculaire Diagnostiek Experimentele Vasculaire Geneeskunde, Academisch Medisch Centrum
Classification: Benign. Review status: no assertion criteria provided. Collection method: research. Allele origin: germline. Not counted in ClinVar's aggregate classification.

Literature cited by the submitters: PubMed 36752612 (cited by Labcorp Genetics (formerly Invitae), Labcorp).

NM_000384.3(APOB):c.10657G>A (p.Glu3553Lys)

Gene: APOB (apolipoprotein B; minus strand). Cytogenetic location: 2p24.1.
Variant type: single nucleotide variant.
Coding change: c.10657G>A on transcript NM_000384.3 (MANE Select); coding-DNA position 10657, G replaced by A.
Protein change: p.Glu3553Lys; replaces glutamic acid 3553 with lysine.
Molecular consequence: missense variant.
Genome position (GRCh38, 1-based): chr2:21,006,211, C>T on the plus strand (G>A on the coding strand, the complement: APOB is on the minus strand). VCF-style: chr2-21006211-C-T. GRCh37 (hg19) VCF-style: chr2-21229083-C-T.
Other names: short protein forms E3553K.
Identifiers: ClinVar variation 440521 (VCV000440521.4), dbSNP rs763118165, ClinGen allele CA044247.